The following is an entry in ClinVar:

NM_003073.5(SMARCB1):c.67G>A (p.Gly23Ser)

Gene: SMARCB1 (SWI/SNF related BAF chromatin remodeling complex subunit B1; plus strand). Cytogenetic location: 22q11.23.
Variant type: single nucleotide variant.
Coding change: c.67G>A on transcript NM_003073.5 (MANE Select); coding-DNA position 67, G replaced by A.
Protein change: p.Gly23Ser; replaces glycine 23 with serine.
Molecular consequence: missense variant.
Genome position (GRCh38, 1-based): chr22:23,787,236, G>A. VCF-style: chr22-23787236-G-A. GRCh37 (hg19) VCF-style: chr22-24129423-G-A.
Other names: c.67G>A, p.Gly23Ser (NM_001007468.3, NM_001317946.2, NM_001362877.2); c.67G>A (NM_003073.4); short protein forms G23S.
Identifiers: ClinVar variation 840331 (VCV000840331.13), dbSNP rs1287987691, ClinGen allele CA410930842.

ClinVar aggregate classification (germline): Uncertain significance. Review status: criteria provided, multiple submitters, no conflicts (2 of 4 stars). 3 submissions from 3 submitters: Uncertain significance (3). Last evaluated 2024-12-20.

Conditions:
SMARCB1-related disorder. Also called: SMARCB1-related disorders; SMARCB1-related condition.
Hereditary cancer-predisposing syndrome. Also called: Hereditary Cancer Syndrome; Hereditary neoplastic syndrome; Tumor predisposition; Neoplastic Syndromes, Hereditary. Identifiers: Orphanet 140162, MedGen C0027672, MeSH D009386, MONDO:0015356.

Allele frequency attached by ClinVar (database versions not stated): TOPMed 0.00001.
gnomAD v4.1: 27 of 1,606,684 alleles (0.0017%); highest among the groups gnomAD compares: Non-Finnish European, 0.0023%; no homozygotes.

Submissions (3):

Labcorp Genetics (formerly Invitae), Labcorp
Classification: Uncertain significance. Last evaluated: 2024-12-20. Review status: criteria provided, single submitter. Criteria: Invitae Variant Classification Sherloc (09022015). Collection method: clinical testing. Allele origin: germline.
Comment: This sequence change replaces glycine, which is neutral and non-polar, with serine, which is neutral and polar, at codon 23 of the SMARCB1 protein (p.Gly23Ser). This variant is not present in population databases (gnomAD no frequency). This variant has not been reported in the literature in individuals affected with SMARCB1-related conditions. ClinVar contains an entry for this variant (Variation ID: 840331). An algorithm developed to predict the effect of missense changes on protein structure and function (PolyPhen-2) suggests that this variant¬†is likely to be tolerated. In summary, the available evidence is currently insufficient to determine the role of this variant in disease. Therefore, it has been classified as a Variant of Uncertain Significance.

Ambry Genetics
Classification: Uncertain significance for Hereditary cancer-predisposing syndrome. Last evaluated: 2024-12-05. Review status: criteria provided, single submitter. Criteria: Ambry Variant Classification Scheme 2023. Collection method: clinical testing. Allele origin: germline.
Comment: The p.G23S variant (also known as c.67G>A), located in coding exon 1 of the SMARCB1 gene, results from a G to A substitution at nucleotide position 67. The glycine at codon 23 is replaced by serine, an amino acid with similar properties. This variant has been detected in multiple individuals with no reported features of SMARCB1-related Coffin-Siris syndrome (Ambry internal data). This amino acid position is highly conserved in available vertebrate species. In addition, the in silico prediction for this alteration is inconclusive. Based on the supporting evidence, the association of this alteration with rhabdoid tumor predisposition syndrome is unknown; however, the association of this alteration with Coffin-Siris syndrome is unlikely.

PreventionGenetics, part of Exact Sciences
Classification: Uncertain significance for SMARCB1-related condition. Last evaluated: 2022-09-27. Review status: criteria provided, single submitter. Criteria: ACMG Guidelines, 2015. Collection method: clinical testing. Allele origin: germline.
Comment: The SMARCB1 c.67G>A variant is predicted to result in the amino acid substitution p.Gly23Ser. To our knowledge, this variant has not been reported in the literature or in a large population database, indicating this variant is rare. At this time, the clinical significance of this variant is uncertain due to the absence of conclusive functional and genetic evidence.